The following is an entry in ClinVar:

ClinVar aggregate classification (germline): Uncertain significance. Review status: criteria provided, multiple submitters, no conflicts (2 of 4 stars). 2 submissions from 2 submitters: Uncertain significance (2). Last evaluated 2026-06-03.

Conditions:
Juvenile polyposis syndrome (JPS). Identifiers: Orphanet 2929, MedGen C0345893, MONDO:0017380, OMIM 174900.
Hereditary cancer-predisposing syndrome. Also called: Tumor predisposition; Hereditary neoplastic syndrome; Neoplastic Syndromes, Hereditary; Hereditary Cancer Syndrome. Identifiers: Orphanet 140162, MedGen C0027672, MeSH D009386, MONDO:0015356.

Submissions (2):

Ambry Genetics
Classification: Uncertain significance for Hereditary cancer-predisposing syndrome. Last evaluated: 2026-06-03. Review status: criteria provided, single submitter. Criteria: Ambry Variant Classification Scheme 2023. Collection method: clinical testing. Allele origin: germline.
Comment: The p.G382S variant (also known as c.1144G>A), located in coding exon 8 of the BMPR1A gene, results from a G to A substitution at nucleotide position 1144. The glycine at codon 382 is replaced by serine, an amino acid with similar properties. This amino acid position is conserved. In addition, this alteration is predicted to be deleterious by in silico analysis. Based on the available evidence, the clinical significance of this variant remains unclear.

Labcorp Genetics (formerly Invitae), Labcorp
Classification: Uncertain significance for Juvenile polyposis syndrome. Last evaluated: 2022-11-19. Review status: criteria provided, single submitter. Criteria: Invitae Variant Classification Sherloc (09022015). Collection method: clinical testing. Allele origin: germline.
Comment: In summary, the available evidence is currently insufficient to determine the role of this variant in disease. Therefore, it has been classified as a Variant of Uncertain Significance. Advanced modeling of protein sequence and biophysical properties (such as structural, functional, and spatial information, amino acid conservation, physicochemical variation, residue mobility, and thermodynamic stability) performed at Invitae indicates that this missense variant is not expected to disrupt BMPR1A protein function. This variant has not been reported in the literature in individuals affected with BMPR1A-related conditions. This variant is not present in population databases (gnomAD no frequency). This sequence change replaces glycine, which is neutral and non-polar, with serine, which is neutral and polar, at codon 382 of the BMPR1A protein (p.Gly382Ser).

NM_004329.3(BMPR1A):c.1144G>A (p.Gly382Ser)

Gene: BMPR1A (bone morphogenetic protein receptor type 1A; plus strand). Cytogenetic location: 10q23.2.
Variant type: single nucleotide variant.
Coding change: c.1144G>A on transcript NM_004329.3 (MANE Select); coding-DNA position 1144, G replaced by A.
Protein change: p.Gly382Ser; replaces glycine 382 with serine.
Molecular consequence: missense variant. On other transcripts: non-coding transcript variant (3).
Genome position (GRCh38, 1-based): chr10:86,919,447, G>A. VCF-style: chr10-86919447-G-A. GRCh37 (hg19) VCF-style: chr10-88679204-G-A.
Other names: c.1144G>A, p.Gly382Ser (NM_001406562.1, NM_001406563.1, NM_001406564.1 and 19 more transcripts); c.1138G>A, p.Gly380Ser (NM_001406583.1); c.1060G>A, p.Gly354Ser (NM_001406584.1, NM_001406585.1, NM_001406586.1 and 2 more transcripts); c.802G>A, p.Gly268Ser (NM_001406589.1); c.1219G>A, p.Gly407Ser (NM_001406559.1); c.1192G>A, p.Gly398Ser (NM_001406560.1); short protein forms G268S, G382S, G398S, G380S, G354S, G407S.
Identifiers: ClinVar variation 2815330 (VCV002815330.4), dbSNP rs2539623576, ClinGen allele CA377461044.